The following is an entry in ClinVar:

NM_000257.4(MYH7):c.3349G>T (p.Glu1117Ter)

Gene: MYH7 (myosin heavy chain 7; minus strand). Cytogenetic location: 14q11.2.
Variant type: single nucleotide variant.
Coding change: c.3349G>T on transcript NM_000257.4 (MANE Select); coding-DNA position 3349, G replaced by T.
Protein change: p.Glu1117Ter; replaces glutamic acid 1117 with a stop codon.
Molecular consequence: nonsense.
Genome position (GRCh38, 1-based): chr14:23,420,222, C>A on the plus strand (G>T on the coding strand, the complement: MYH7 is on the minus strand). VCF-style: chr14-23420222-C-A. GRCh37 (hg19) VCF-style: chr14-23889431-C-A.
Other names: short protein forms E1117*.
Identifiers: ClinVar variation 162507 (VCV000162507.5), dbSNP rs141735183, ClinGen allele CA013629.

ClinVar aggregate classification (germline): Conflicting classifications of pathogenicity. Review status: criteria provided, conflicting classifications (1 of 4 stars). 4 submissions from 4 submitters: Likely pathogenic (1); Uncertain significance (3). Last evaluated 2025-06-10.

Conditions:
Cardiomyopathy (CMYO). Also called: Cardiomyopathies. Identifiers: Orphanet 167848, MedGen C0878544, MONDO:0004994, HP:0001638. Inheritance: Various modes of inheritance.
Hypertrophic cardiomyopathy. Also called: HYPERTROPHIC MYOCARDIOPATHY. Identifiers: Orphanet 217569, MedGen C0007194, MeSH D002312, MONDO:0005045, HP:0001639.

Allele frequency attached by ClinVar (database versions not stated): gnomAD exomes below 0.00001 and 0.00001; TOPMed below 0.00001; ExAC 0.00001; gnomAD 0.00001; ESP Exome Variant Server 0.00008.
gnomAD v4.1: 2 of 1,609,140 alleles (0.00012%); highest among the groups gnomAD compares: African/African-American, 0.0013%; no homozygotes.

Submissions (4):

Women's Health and Genetics/Laboratory Corporation of America, LabCorp
Classification: Uncertain significance. Last evaluated: 2025-06-10. Review status: criteria provided, single submitter. Criteria: LabCorp Variant Classification Summary - May 2015. Collection method: clinical testing. Allele origin: germline.
Comment: Variant summary: MYH7 c.3349G>T (p.Glu1117X) results in a premature termination codon, predicted to cause a truncation of the encoded protein or absence of the protein due to nonsense mediated decay, however current evidence is not sufficient to establish loss of function as a mechanism for disease. The variant allele was found at a frequency of 8.2e-06 in 244246 control chromosomes. The available data on variant occurrences in the general population are insufficient to allow any conclusion about variant significance. To our knowledge, no occurrence of c.3349G>T in individuals affected with Cardiomyopathy and no experimental evidence demonstrating its impact on protein function have been reported. ClinVar contains an entry for this variant (Variation ID: 162507). Based on the evidence outlined above, the variant was classified as uncertain significance.

Labcorp Genetics (formerly Invitae), Labcorp
Classification: Uncertain significance for Hypertrophic cardiomyopathy. Last evaluated: 2024-06-02. Review status: criteria provided, single submitter. Criteria: Invitae Variant Classification Sherloc (09022015). Collection method: clinical testing. Allele origin: germline.
Comment: This sequence change creates a premature translational stop signal (p.Glu1117*) in the MYH7 gene. It is expected to result in an absent or disrupted protein product. However, the current clinical and genetic evidence is not sufficient to establish whether loss-of-function variants in MYH7 cause disease. This variant is present in population databases (rs141735183, gnomAD 0.0009%). This variant has not been reported in the literature in individuals affected with MYH7-related conditions. ClinVar contains an entry for this variant (Variation ID: 162507). In summary, the available evidence is currently insufficient to determine the role of this variant in disease. Therefore, it has been classified as a Variant of Uncertain Significance.

All of Us Research Program, National Institutes of Health
Classification: Uncertain significance for Cardiomyopathy. Last evaluated: 2024-04-16. Review status: criteria provided, single submitter. Criteria: ACMG Guidelines, 2015. Collection method: clinical testing. Allele origin: germline. Inheritance: Autosomal dominant inheritance. Observed: 1 variant allele, 1 heterozygote.
Comment: This variant changes 1 nucleotide in exon 27 of the MYH7 gene, creating a premature translation stop signal. This variant is expected to result in an absent or non-functional protein product. To our knowledge, this variant has not been reported in individuals affected with MYH7-related disorders in the literature. This variant has been identified in 2/244246 chromosomes in the general population by the Genome Aggregation Database (gnomAD). Clinical relevance of loss-of-function MYH7 truncation variants in autosomal dominant cardiovascular disorders is not clearly established. The available evidence is insufficient to determine the role of this variant in disease conclusively. Therefore, this variant is classified as a Variant of Uncertain Significance.

This study involves interpretation of variants in research participants for the purpose of population health screening. Participant phenotype was not available at the time of variant classification. Additional details can be found in publication PMID: 35346344, PMCID: PMC8962531

CSER _CC_NCGL, University of Washington
Classification: Likely pathogenic for Cardiomyopathy. Last evaluated: 2014-06-01. Review status: criteria provided, single submitter. Criteria: Amendola et al. (Genome Res. 2015). Collection method: research. Allele origin: germline. Inheritance: Autosomal dominant inheritance. Study: ESP 6500 variant annotation.
Comment: Variants classified for the Actionable exomic incidental findings in 6503 participants: challenges of variant classification manuscript